The following is an entry in ClinVar:

ClinVar aggregate classification (germline): Uncertain significance (1 of 4 stars; one submission).

Conditions:
Intellectual disability, autosomal recessive 42 (NEDDSBA). Also called: Neurodevelopmental disorder with dysmorphic features, spasticity, and brain abnormalities; GLYCOSYLPHOSPHATIDYLINOSITOL BIOSYNTHESIS DEFECT 9. Identifiers: Orphanet 88616, MedGen C4014343, MONDO:0014348, OMIM 615802.

Allele frequency attached by ClinVar (database versions not stated): gnomAD exomes 0.00001.
gnomAD v4.1: 8 of 1,419,408 alleles (0.00056%); highest among the groups gnomAD compares: Admixed American, 0.0027%; no homozygotes.

Submission:

Labcorp Genetics (formerly Invitae), Labcorp
Classification: Uncertain significance for Intellectual disability, autosomal recessive 42. Last evaluated: 2022-08-02. Review status: criteria provided, single submitter. Criteria: Invitae Variant Classification Sherloc (09022015). Collection method: clinical testing. Allele origin: germline.
Comment: In summary, the available evidence is currently insufficient to determine the role of this variant in disease. Therefore, it has been classified as a Variant of Uncertain Significance. Algorithms developed to predict the effect of missense changes on protein structure and function (SIFT, PolyPhen-2, Align-GVGD) all suggest that this variant is likely to be tolerated. This variant has not been reported in the literature in individuals affected with PGAP1-related conditions. This variant is not present in population databases (gnomAD no frequency). This sequence change replaces serine, which is neutral and polar, with asparagine, which is neutral and polar, at codon 403 of the PGAP1 protein (p.Ser403Asn).

NM_024989.4(PGAP1):c.1208G>A (p.Ser403Asn)

Gene: PGAP1 (post-GPI attachment to proteins inositol deacylase 1; minus strand). Cytogenetic location: 2q33.1.
Variant type: single nucleotide variant.
Coding change: c.1208G>A on transcript NM_024989.4 (MANE Select); coding-DNA position 1208, G replaced by A.
Protein change: p.Ser403Asn; replaces serine 403 with asparagine.
Molecular consequence: missense variant.
Genome position (GRCh38, 1-based): chr2:196,885,846, C>T on the plus strand (G>A on the coding strand, the complement: PGAP1 is on the minus strand). VCF-style: chr2-196885846-C-T. GRCh37 (hg19) VCF-style: chr2-197750570-C-T.
Other names: c.686G>A, p.Ser229Asn (NM_001321099.2); c.41G>A, p.Ser14Asn (NM_001321100.2); short protein forms S229N, S14N, S403N.
Identifiers: ClinVar variation 2200527 (VCV002200527.3), dbSNP rs1387854231, ClinGen allele CA350173611.
Genomic context (GRCh38, chr2:196,885,846, plus strand): 5'-GAGTATTGTTTATGTTGAGATAAATGAACATGCATTCAAAAGACTTACCACATAGAAGTG[C>T]TGTTTATGCAAGCAAAAATCCAACTATTTGTATCCTGTTGATGAACAGCACAAAACAAAA-3'
Protein context (NP_079265.2, residues 393-413): TNSWIFACIN[Ser403Asn]TSMCLQGVDL